The following is an entry in ClinVar:

NM_001127671.2(LIFR):c.254del (p.Asn85fs)

Gene: LIFR (LIF receptor subunit alpha; minus strand). Cytogenetic location: 5p13.1.
Variant type: Deletion.
Coding change: c.254del on transcript NM_001127671.2 (MANE Select); coding-DNA position 254, one base deleted (A; older notation c.254delA).
Protein change: p.Asn85fs; shifts the reading frame from asparagine 85.
Molecular consequence: frameshift variant.
Genome position (GRCh38, 1-based): chr5:38,528,729, T deleted on the plus strand (A on the coding strand, the reverse complement: LIFR is on the minus strand); the first of 4 consecutive T bases (chr5:38,528,729-38,528,732); deleting any one gives the same sequence. VCF-style (leftmost placement, unchanged base first): chr5-38528728-GT-G. GRCh37 (hg19) VCF-style: chr5-38528830-GT-G.
Other names: c.254delA (NM_002310.5); c.254del, p.Asn85fs (NM_001364297.2, NM_001364298.2, NM_002310.6); short protein forms N85fs.
Identifiers: ClinVar variation 280316 (VCV000280316.7), dbSNP rs886041545, ClinGen allele CA10602975.

ClinVar aggregate classification (germline): Pathogenic/Likely pathogenic. Review status: criteria provided, multiple submitters, no conflicts (2 of 4 stars). 4 submissions from 4 submitters: Pathogenic (2); Likely pathogenic (2). Last evaluated 2024-09-02.

Conditions:
Stüve-Wiedemann syndrome 1. Also called: STUVE-WIEDEMANN/SCHWARTZ-JAMPEL TYPE 2 SYNDROME. Identifiers: Orphanet 3206, MedGen C5676888, MONDO:0800043, OMIM 601559.

Submissions (4):

Revvity Omics, Revvity
Classification: Likely pathogenic for Stüve-Wiedemann syndrome 1. Last evaluated: 2024-09-02. Review status: criteria provided, single submitter. Criteria: ACMG Guidelines, 2015. Collection method: clinical testing. Allele origin: germline.

Genomic Medicine Center of Excellence, King Faisal Specialist Hospital and Research Centre
Classification: Pathogenic for Stüve-Wiedemann syndrome 1. Last evaluated: 2024-04-04. Review status: criteria provided, single submitter. Criteria: ACMG Guidelines, 2015. Collection method: clinical testing. Allele origin: germline.

Women's Health and Genetics/Laboratory Corporation of America, LabCorp
Classification: Likely pathogenic for Stüve-Wiedemann syndrome 1. Last evaluated: 2022-03-28. Review status: criteria provided, single submitter. Criteria: LabCorp Variant Classification Summary - May 2015. Collection method: clinical testing. Allele origin: germline.
Comment: Variant summary: LIFR c.254delA (p.Asn85ThrfsX26) results in a premature termination codon, predicted to cause a truncation of the encoded protein or absence of the protein due to nonsense mediated decay, which are commonly known mechanisms for disease. Truncations downstream of this position have been cited as pathogenic and as disease-associated in ClinVar and HGMD. The variant was absent in 195382 control chromosomes (gnomAD). c.254delA has been reported in the literature in an individual affected with skeletal dysplasia, bowed lower limbs, camptodactyly, pulmonary hypoplasia, and dysmorphic features; however, authors did not specify the presence of a second pathogenic variant (Al-Dewik_L2019). This report does not provide unequivocal conclusions about association of the variant with Stuve-Wiedemann Syndrome 1. To our knowledge, no experimental evidence demonstrating an impact on protein function has been reported. One clinical diagnostic laboratory has submitted clinical-significance assessments for this variant to ClinVar after 2014 and classified the variant as pathogenic. Based on the evidence outlined above, the variant was classified as likely pathogenic.

GeneDx
Classification: Pathogenic. Last evaluated: 2021-09-08. Review status: criteria provided, single submitter. Criteria: GeneDx Variant Classification Process June 2021. Collection method: clinical testing. Allele origin: germline. Affected: yes.
Comment: Frameshift variant predicted to result in protein truncation or nonsense mediated decay in a gene for which loss-of-function is a known mechanism of disease; Not observed at significant frequency in large population cohorts (Lek et al., 2016); This variant is associated with the following publications: (PMID: 30919572)

Literature cited by the submitters: PubMed 30919572 (cited by Women's Health and Genetics/Laboratory Corporation of America, LabCorp).